The following is an entry in ClinVar:

ClinVar aggregate classification (germline): Uncertain significance (1 of 4 stars; one submission).

Conditions:
Alstrom syndrome (ALMS). Identifiers: Orphanet 64, MedGen C0268425, MONDO:0008763, OMIM 203800.

Submission:

Labcorp Genetics (formerly Invitae), Labcorp
Classification: Uncertain significance for Alstrom syndrome. Last evaluated: 2021-06-26. Review status: criteria provided, single submitter. Criteria: Invitae Variant Classification Sherloc (09022015). Collection method: clinical testing. Allele origin: germline.
Comment: This sequence change replaces alanine with threonine at codon 1406 of the ALMS1 protein (p.Ala1406Thr). The alanine residue is weakly conserved and there is a small physicochemical difference between alanine and threonine. This variant is not present in population databases (ExAC no frequency). This variant has not been reported in the literature in individuals affected with ALMS1-related conditions. Experimental studies and prediction algorithms are not available or were not evaluated, and the functional significance of this variant is currently unknown. In summary, the available evidence is currently insufficient to determine the role of this variant in disease. Therefore, it has been classified as a Variant of Uncertain Significance.

NM_001378454.1(ALMS1):c.4213G>A (p.Ala1405Thr)

Gene: ALMS1 (ALMS1 centrosome and basal body associated protein; plus strand). Cytogenetic location: 2p13.1.
Variant type: single nucleotide variant.
Coding change: c.4213G>A on transcript NM_001378454.1 (MANE Select); coding-DNA position 4213, G replaced by A.
Protein change: p.Ala1405Thr; replaces alanine 1405 with threonine.
Molecular consequence: missense variant.
Genome position (GRCh38, 1-based): chr2:73,450,740, G>A. VCF-style: chr2-73450740-G-A. GRCh37 (hg19) VCF-style: chr2-73677867-G-A.
Other names: c.4216G>A, p.Ala1406Thr (NM_015120.4); short protein forms A1406T, A1405T.
Identifiers: ClinVar variation 1415096 (VCV001415096.3), dbSNP rs1671917742, ClinGen allele CA347277751.